The following is an entry in ClinVar:

ClinVar aggregate classification (germline): Uncertain significance (1 of 4 stars; one submission).

Submission:

GeneDx
Classification: Uncertain significance. Last evaluated: 2022-08-31. Review status: criteria provided, single submitter. Criteria: GeneDx Variant Classification Process June 2021. Collection method: clinical testing. Allele origin: germline. Affected: yes.
Comment: Not observed at significant frequency in large population cohorts (gnomAD); In silico analysis supports that this missense variant does not alter protein structure/function; Has not been previously published as pathogenic or benign to our knowledge

NM_152424.4(AMER1):c.3019G>A (p.Val1007Met)

Gene: AMER1 (APC membrane recruitment protein 1; minus strand). Cytogenetic location: Xq11.2.
Variant type: single nucleotide variant.
Coding change: c.3019G>A on transcript NM_152424.4 (MANE Select); coding-DNA position 3019, G replaced by A.
Protein change: p.Val1007Met; replaces valine 1007 with methionine.
Molecular consequence: missense variant.
Genome position (GRCh38, 1-based): chrX:64,190,268, C>T on the plus strand (G>A on the coding strand, the complement: AMER1 is on the minus strand). VCF-style: chrX-64190268-C-T. GRCh37 (hg19) VCF-style: chrX-63410148-C-T.
Other names: short protein forms V1007M.
Identifiers: ClinVar variation 2442625 (VCV002442625.1), dbSNP rs2147084747, ClinGen allele CA413301683.